The following is an entry in ClinVar:

NM_006904.7(PRKDC):c.6514G>A (p.Ala2172Thr)

Gene: PRKDC (protein kinase, DNA-activated, catalytic subunit; minus strand). Cytogenetic location: 8q11.21.
Variant type: single nucleotide variant.
Coding change: c.6514G>A on transcript NM_006904.7 (MANE Select); coding-DNA position 6514, G replaced by A.
Protein change: p.Ala2172Thr; replaces alanine 2172 with threonine.
Molecular consequence: missense variant.
Genome position (GRCh38, 1-based): chr8:47,857,251, C>T on the plus strand (G>A on the coding strand, the complement: PRKDC is on the minus strand). VCF-style: chr8-47857251-C-T. GRCh37 (hg19) VCF-style: chr8-48769812-C-T.
Other names: c.6514G>A, p.Ala2172Thr (NM_001081640.2); short protein forms A2172T.
Identifiers: ClinVar variation 2809222 (VCV002809222.3), dbSNP rs371395315, ClinGen allele CA371160168.
Genomic context (GRCh38, chr8:47,857,251, plus strand): 5'-TGGCCACTATCTCAACCACCATGTAGTGAATTCCTTCTCCTCCATTGTTTTCAGAAGCAG[C>T]CAGCTGCAGCAAGGGGCTAAGCCAGTGCTTCGCGTAAGGGCGAAAGACCTACAAGAGGAT-3'
Protein context (NP_008835.5, residues 2162-2182): KHWLSPLLQL[Ala2172Thr]ASENNGGEGI

ClinVar aggregate classification (germline): Uncertain significance (1 of 4 stars; one submission).

Conditions:
Severe combined immunodeficiency due to DNA-PKcs deficiency. Also called: Immunodeficiency 26 with or without neurologic abnormalities; IMMUNODEFICIENCY 26 WITH NEUROLOGIC ABNORMALITIES. Identifiers: Orphanet 317425, MedGen C4014833, MONDO:0014423, OMIM 615966.

Submission:

Labcorp Genetics (formerly Invitae), Labcorp
Classification: Uncertain significance for Severe combined immunodeficiency due to DNA-PKcs deficiency. Last evaluated: 2023-02-14. Review status: criteria provided, single submitter. Criteria: Invitae Variant Classification Sherloc (09022015). Collection method: clinical testing. Allele origin: germline.
Comment: Advanced modeling of protein sequence and biophysical properties (such as structural, functional, and spatial information, amino acid conservation, physicochemical variation, residue mobility, and thermodynamic stability) has been performed at Invitae for this missense variant, however the output from this modeling did not meet the statistical confidence thresholds required to predict the impact of this variant on PRKDC protein function. In summary, the available evidence is currently insufficient to determine the role of this variant in disease. Therefore, it has been classified as a Variant of Uncertain Significance. This variant has not been reported in the literature in individuals affected with PRKDC-related conditions. This variant is not present in population databases (gnomAD no frequency). This sequence change replaces alanine, which is neutral and non-polar, with threonine, which is neutral and polar, at codon 2172 of the PRKDC protein (p.Ala2172Thr).